The following is an entry in ClinVar:

NM_002816.5(PSMD12):c.1172C>G (p.Ala391Gly)

Gene: PSMD12 (proteasome 26S subunit, non-ATPase 12; minus strand). Cytogenetic location: 17q24.2.
Variant type: single nucleotide variant.
Coding change: c.1172C>G on transcript NM_002816.5 (MANE Select); coding-DNA position 1172, C replaced by G.
Protein change: p.Ala391Gly; replaces alanine 391 with glycine.
Molecular consequence: missense variant.
Genome position (GRCh38, 1-based): chr17:67,341,042, G>C on the plus strand (C>G on the coding strand, the complement: PSMD12 is on the minus strand). VCF-style: chr17-67341042-G-C. GRCh37 (hg19) VCF-style: chr17-65337158-G-C.
Other names: c.995C>G, p.Ala332Gly (NM_001316341.2); c.1112C>G, p.Ala371Gly (NM_174871.4); short protein forms A332G, A371G, A391G.
Identifiers: ClinVar variation 2571721 (VCV002571721.1), dbSNP rs2509678225, ClinGen allele CA400803535.

ClinVar aggregate classification (germline): Uncertain significance (1 of 4 stars; one submission).

Submission:

GeneDx
Classification: Uncertain significance. Last evaluated: 2022-12-22. Review status: criteria provided, single submitter. Criteria: GeneDx Variant Classification Process June 2021. Collection method: clinical testing. Allele origin: germline. Affected: yes.
Comment: Not observed at significant frequency in large population cohorts (gnomAD); In silico analysis supports that this missense variant does not alter protein structure/function; Has not been previously published as pathogenic or benign to our knowledge